The following is an entry in ClinVar:

ClinVar aggregate classification (germline): Likely benign. Review status: criteria provided, multiple submitters, no conflicts (2 of 4 stars). 3 submissions from 3 submitters: Likely benign (3). Last evaluated 2026-01-19.

Allele frequency attached by ClinVar (database versions not stated): gnomAD exomes 0.00005; gnomAD 0.00007; TOPMed 0.00007.
gnomAD v4.1: 75 of 1,242,796 alleles (0.006%); highest among the groups gnomAD compares: Non-Finnish European, 0.0054%; no homozygotes.

Submissions (3):

Labcorp Genetics (formerly Invitae), Labcorp
Classification: Likely benign. Last evaluated: 2026-01-19. Review status: criteria provided, single submitter. Criteria: Invitae Variant Classification Sherloc (09022015). Collection method: clinical testing. Allele origin: germline.

CeGaT Center for Human Genetics Tuebingen
Classification: Likely benign. Last evaluated: 2024-12-01. Review status: criteria provided, single submitter. Criteria: CeGaT Center For Human Genetics Tuebingen Variant Classification Criteria Version 2. Collection method: clinical testing. Allele origin: germline. Affected: yes. Observed: 2 variant alleles.
Comment: CDK13: BP4, BP7

Blueprint Genetics
Classification: Likely benign. Last evaluated: 2024-09-03. Review status: criteria provided, single submitter. Criteria: ACMG Guidelines, 2015. Collection method: clinical testing. Allele origin: germline.

NM_003718.5(CDK13):c.501G>A (p.Ala167=)

Gene: CDK13 (cyclin dependent kinase 13; plus strand). Cytogenetic location: 7p14.1.
Variant type: single nucleotide variant.
Coding change: c.501G>A on transcript NM_003718.5 (MANE Select); coding-DNA position 501, G replaced by A.
Protein change: p.Ala167=; no amino-acid change (alanine 167 retained).
Molecular consequence: synonymous variant.
Genome position (GRCh38, 1-based): chr7:39,951,142, G>A. VCF-style: chr7-39951142-G-A. GRCh37 (hg19) VCF-style: chr7-39990741-G-A.
Other names: c.501G>A, p.Ala167= (NM_031267.4).
Identifiers: ClinVar variation 2413230 (VCV002413230.22), dbSNP rs999406904, ClinGen allele CA157707170.